The following is an entry in ClinVar:

ClinVar aggregate classification (germline): Likely pathogenic (1 of 4 stars; one submission).

Conditions:
Hyperekplexia 3 (HKPX3). Also called: HYPEREKPLEXIA 3, AUTOSOMAL RECESSIVE; HYPEREKPLEXIA 3, AUTOSOMAL DOMINANT. Identifiers: Orphanet 3197, MedGen C3553288, MONDO:0013827, OMIM 614618.

Submission:

Juno Genomics, Hangzhou Juno Genomics, Inc
Classification: Likely pathogenic for Hyperekplexia 3. Review status: criteria provided, single submitter. Criteria: ACMG Guidelines, 2015. Collection method: clinical testing. Allele origin: germline.
Comment: Null variant in a gene where loss of function (LOF) is a known mechanism of disease.;Absent from controls (or at extremely low frequency if recessive) in Genome Aggregation Database.

NM_004211.5(SLC6A5):c.1879del (p.Tyr627fs)

Gene: SLC6A5 (solute carrier family 6 member 5; plus strand). Cytogenetic location: 11p15.1.
Variant type: Deletion.
Coding change: c.1879del on transcript NM_004211.5 (MANE Select); coding-DNA position 1879, one base deleted (T; older notation c.1879delT).
Protein change: p.Tyr627fs; shifts the reading frame from tyrosine 627.
Molecular consequence: frameshift variant.
Genome position (GRCh38, 1-based): chr11:20,638,468, T deleted; the last of 3 consecutive T bases (chr11:20,638,466-20,638,468); deleting any one gives the same sequence. VCF-style (leftmost placement, unchanged base first): chr11-20638465-AT-A. GRCh37 (hg19) VCF-style: chr11-20660011-AT-A.
Other names: c.1177del, p.Tyr393fs (NM_001318369.2); short protein forms Y627fs, Y393fs.
Identifiers: ClinVar variation 5007852 (VCV005007852.2).
Genomic context (GRCh38, chr11:20,638,465, plus strand): 5'-AGACAGCCTGGCTTCAGGACGCATTTGATATTGGTTGTTTCTCTCTCCTGTTAGGGTGGA[AT>A]TTACATGTTTCAGCTTGTGGACACCTATGCTGCCTCCTATGCCCTTGTCATCATTGCCAT-3'